The following is an entry in ClinVar:

NM_002439.5(MSH3):c.1571A>G (p.Asn524Ser)

Gene: MSH3 (mutS homolog 3; plus strand). Cytogenetic location: 5q14.1.
Variant type: single nucleotide variant.
Coding change: c.1571A>G on transcript NM_002439.5 (MANE Select); coding-DNA position 1571, A replaced by G.
Protein change: p.Asn524Ser; replaces asparagine 524 with serine.
Molecular consequence: missense variant.
Genome position (GRCh38, 1-based): chr5:80,741,466, A>G. VCF-style: chr5-80741466-A-G. GRCh37 (hg19) VCF-style: chr5-80037285-A-G.
Other names: short protein forms N524S.
Identifiers: ClinVar variation 1009016 (VCV001009016.9), dbSNP rs55724159, ClinGen allele CA3327976.

ClinVar aggregate classification (germline): Uncertain significance (1 of 4 stars; one submission).

Allele frequency attached by ClinVar (database versions not stated): 1000 Genomes Project 30x 0.00016.

Submission:

Labcorp Genetics (formerly Invitae), Labcorp
Classification: Uncertain significance. Last evaluated: 2023-07-29. Review status: criteria provided, single submitter. Criteria: Invitae Variant Classification Sherloc (09022015). Collection method: clinical testing. Allele origin: germline.
Comment: In summary, the available evidence is currently insufficient to determine the role of this variant in disease. Therefore, it has been classified as a Variant of Uncertain Significance. An algorithm developed to predict the effect of missense changes on protein structure and function (PolyPhen-2) suggests that this variant is likely to be tolerated. ClinVar contains an entry for this variant (Variation ID: 1009016). This variant has not been reported in the literature in individuals affected with MSH3-related conditions. This variant is present in population databases (rs55724159, gnomAD no frequency). This sequence change replaces asparagine, which is neutral and polar, with serine, which is neutral and polar, at codon 524 of the MSH3 protein (p.Asn524Ser).